The following is an entry in ClinVar:

ClinVar aggregate classification (germline): Uncertain significance (1 of 4 stars; one submission).

Conditions:
Inborn genetic diseases. Identifiers: MedGen C0950123, MeSH D030342.

Submission:

Ambry Genetics
Classification: Uncertain significance for Inborn genetic diseases. Last evaluated: 2024-08-30. Review status: criteria provided, single submitter. Criteria: Ambry Variant Classification Scheme 2023. Collection method: clinical testing. Allele origin: germline.
Comment: The p.L1458I variant (also known as c.4372C>A), located in coding exon 24 of the ATR gene, results from a C to A substitution at nucleotide position 4372. The leucine at codon 1458 is replaced by isoleucine, an amino acid with highly similar properties. This amino acid position is conserved. In addition, this alteration is predicted to be tolerated by in silico analysis. Based on the available evidence, the clinical significance of this variant remains unclear.

NM_001184.4(ATR):c.4372C>A (p.Leu1458Ile)

Gene: ATR (ATR serine/threonine kinase; minus strand). Cytogenetic location: 3q23.
Variant type: single nucleotide variant.
Coding change: c.4372C>A on transcript NM_001184.4 (MANE Select); coding-DNA position 4372, C replaced by A.
Protein change: p.Leu1458Ile; replaces leucine 1458 with isoleucine.
Molecular consequence: missense variant.
Genome position (GRCh38, 1-based): chr3:142,519,679, G>T on the plus strand (C>A on the coding strand, the complement: ATR is on the minus strand). VCF-style: chr3-142519679-G-T. GRCh37 (hg19) VCF-style: chr3-142238521-G-T.
Other names: c.4180C>A, p.Leu1394Ile (NM_001354579.2); short protein forms L1458I, L1394I.
Identifiers: ClinVar variation 3462562 (VCV003462562.1).